The following is an entry in ClinVar:

NM_001367873.1(SOX6):c.1141C>T (p.Pro381Ser)

Gene: SOX6 (SRY-box transcription factor 6; minus strand). Cytogenetic location: 11p15.2.
Variant type: single nucleotide variant.
Coding change: c.1141C>T on transcript NM_001367873.1 (MANE Select); coding-DNA position 1141, C replaced by T.
Protein change: p.Pro381Ser; replaces proline 381 with serine.
Molecular consequence: missense variant.
Genome position (GRCh38, 1-based): chr11:16,055,862, G>A on the plus strand (C>T on the coding strand, the complement: SOX6 is on the minus strand). VCF-style: chr11-16055862-G-A. GRCh37 (hg19) VCF-style: chr11-16077408-G-A.
Other names: c.1018C>T, p.Pro340Ser (NM_001145811.2, NM_001367872.1, NM_017508.3); c.1141C>T, p.Pro381Ser (NM_001145819.2, NM_033326.3); short protein forms P340S, P381S.
Identifiers: ClinVar variation 4882580 (VCV004882580.2).
Genomic context (GRCh38, chr11:16,055,862, plus strand): 5'-TAGGTGAGACCGTCCCTGCTGTGTTTGGTGGCTGTGGAGTTGATGGCATCTTTGCTCCAG[G>A]TGACACCTGCATGCTGGCCAGCTGAGCGGCATAGAGCTGCTGCAAAACAGGGAAGACAAA-3'
Protein context (NP_001354802.1, residues 371-391): AAQLASMQVS[Pro381Ser]GAKMPSTPQP

ClinVar aggregate classification (germline): Uncertain significance (1 of 4 stars; one submission).

gnomAD v4.1: 2 of 1,613,768 alleles (0.00012%); highest among the groups gnomAD compares: South Asian, 0.0011%; no homozygotes.

Submission:

Dasa
Classification: Uncertain significance. Last evaluated: 2025-08-06. Review status: criteria provided, single submitter. Criteria: DASA Assertion Criteria. Collection method: clinical testing. Allele origin: germline.
Comment: NM_001367873.1(SOX6):c.1141C>T (p.Pro381Ser) is a missense variant that results in the substitution of proline with serine. This variant is rare in population databases. Computational prediction algorithms are consistent with a deleterious effect. The currently available literature and clinical evidence are not sufficient to establish a definitive association between this variant and the reported condition. Therefore, this variant is classified as a variant of uncertain significance.